The following is an entry in ClinVar:

NM_001378454.1(ALMS1):c.10625A>G (p.Tyr3542Cys)

Gene: ALMS1 (ALMS1 centrosome and basal body associated protein; plus strand). Cytogenetic location: 2p13.1.
Variant type: single nucleotide variant.
Coding change: c.10625A>G on transcript NM_001378454.1 (MANE Select); coding-DNA position 10625, A replaced by G.
Protein change: p.Tyr3542Cys; replaces tyrosine 3542 with cysteine.
Molecular consequence: missense variant.
Genome position (GRCh38, 1-based): chr2:73,572,502, A>G. VCF-style: chr2-73572502-A-G. GRCh37 (hg19) VCF-style: chr2-73799629-A-G.
Other names: c.10628A>G, p.Tyr3543Cys (NM_015120.4); short protein forms Y3543C, Y3542C.
Identifiers: ClinVar variation 550427 (VCV000550427.16), dbSNP rs761771973, ClinGen allele CA1715036.
Genomic context (GRCh38, chr2:73,572,502, plus strand): 5'-ATAGAGAACACATGTGTCTTCCTCTTCCTTATCAAAACATGGACAAGACTAAGACAGATT[A>G]TACCAGAATAAAGAGCCTCAGCATCAATGTGAATTTGGGAAACAAAGAAGTGATGGATAC-3'
Protein context (NP_001365383.1, residues 3532-3552): YQNMDKTKTD[Tyr3542Cys]TRIKSLSINV

ClinVar aggregate classification (germline): Uncertain significance. Review status: criteria provided, multiple submitters, no conflicts (2 of 4 stars). 6 submissions from 6 submitters: Uncertain significance (4). 2 of the submissions do not count toward it. Last evaluated 2025-08-29.

Conditions:
Cardiovascular phenotype. Identifiers: MedGen CN230736.
Alstrom syndrome (ALMS). Identifiers: Orphanet 64, MedGen C0268425, MONDO:0008763, OMIM 203800.

Allele frequency attached by ClinVar (database versions not stated): ExAC 0.00001; gnomAD 0.00001; TOPMed 0.00003.
gnomAD v4.1: 13 of 1,613,784 alleles (0.00081%); highest among the groups gnomAD compares: African/African-American, 0.012%; no homozygotes.

Submissions (6):

GeneDx
Classification: Uncertain significance. Last evaluated: 2025-08-29. Review status: criteria provided, single submitter. Criteria: GeneDx Variant Classification Process June 2021. Collection method: clinical testing. Allele origin: germline. Affected: yes.
Comment: Not observed at significant frequency in large population cohorts (gnomAD); In silico analysis supports that this missense variant has a deleterious effect on protein structure/function; Has not been previously published as pathogenic or benign to our knowledge

Labcorp Genetics (formerly Invitae), Labcorp
Classification: Uncertain significance for Alstrom syndrome. Last evaluated: 2024-05-20. Review status: criteria provided, single submitter. Criteria: Invitae Variant Classification Sherloc (09022015). Collection method: clinical testing. Allele origin: germline.
Comment: This sequence change replaces tyrosine, which is neutral and polar, with cysteine, which is neutral and slightly polar, at codon 3543 of the ALMS1 protein (p.Tyr3543Cys). This variant is present in population databases (rs761771973, gnomAD 0.003%). This variant has not been reported in the literature in individuals affected with ALMS1-related conditions. ClinVar contains an entry for this variant (Variation ID: 550427). Experimental studies and prediction algorithms are not available or were not evaluated, and the functional significance of this variant is currently unknown. In summary, the available evidence is currently insufficient to determine the role of this variant in disease. Therefore, it has been classified as a Variant of Uncertain Significance.

Ambry Genetics
Classification: Uncertain significance for Cardiovascular phenotype. Last evaluated: 2024-02-13. Review status: criteria provided, single submitter. Criteria: Ambry Variant Classification Scheme 2023. Collection method: clinical testing. Allele origin: germline.
Comment: The p.Y3543C variant (also known as c.10628A>G), located in coding exon 16 of the ALMS1 gene, results from an A to G substitution at nucleotide position 10628. The tyrosine at codon 3543 is replaced by cysteine, an amino acid with highly dissimilar properties. This amino acid position is well conserved in available vertebrate species. In addition, this alteration is predicted to be tolerated by in silico analysis. Since supporting evidence is limited at this time, the clinical significance of this alteration remains unclear.

Fulgent Genetics
Classification: Uncertain significance for Alstrom syndrome. Last evaluated: 2022-01-12. Review status: criteria provided, single submitter. Criteria: ACMG Guidelines, 2015. Collection method: clinical testing. Allele origin: unknown.

Natera, Inc.
Classification: Uncertain significance for Alstrom syndrome. Last evaluated: 2020-08-12. Review status: no assertion criteria provided. Collection method: clinical testing. Allele origin: germline. Not counted in ClinVar's aggregate classification.

Counsyl
Classification: Uncertain significance for Alstrom syndrome. Last evaluated: 2017-01-20. Review status: no assertion criteria provided. Collection method: clinical testing. Allele origin: unknown. Not counted in ClinVar's aggregate classification.